The following is an entry in ClinVar:

ClinVar aggregate classification (germline): Likely pathogenic. Review status: criteria provided, single submitter (1 of 4 stars). 2 submissions from 2 submitters: Likely pathogenic (1). 1 of the submissions does not count toward it. Last evaluated 2025-08-28.

Conditions:
Fanconi anemia (FA). Also called: Fanconi's anemia. Identifiers: Orphanet 84, MedGen C0015625, MeSH D005199, MONDO:0019391.
Fanconi anemia complementation group A (FANCA). Also called: FANCA-Related Fanconi Anemia; Fanconi anemia, group A. Identifiers: Orphanet 84, MedGen C3469521, MONDO:0009215, OMIM 227650.

Submissions (2):

Labcorp Genetics (formerly Invitae), Labcorp
Classification: Likely pathogenic for Fanconi anemia. Last evaluated: 2025-08-28. Review status: criteria provided, single submitter. Criteria: Invitae Variant Classification Sherloc (09022015). Collection method: clinical testing. Allele origin: germline.
Comment: This sequence change affects an acceptor splice site in intron 1 of the FANCA gene. It is expected to disrupt RNA splicing. Variants that disrupt the donor or acceptor splice site typically lead to a loss of protein function (PMID: 16199547), and loss-of-function variants in FANCA are known to be pathogenic (PMID: 19367192). This variant is not present in population databases (gnomAD no frequency). Disruption of this splice site has been observed in individual(s) with Fanconi anemia (PMID: 29098742). ClinVar contains an entry for this variant (Variation ID: 554058). Algorithms developed to predict the effect of sequence changes on RNA splicing suggest that this variant may disrupt the consensus splice site. In summary, the currently available evidence indicates that the variant is pathogenic, but additional data are needed to prove that conclusively. Therefore, this variant has been classified as Likely Pathogenic.

Counsyl
Classification: Likely pathogenic for Fanconi anemia complementation group A. Last evaluated: 2017-10-06. Review status: no assertion criteria provided. Collection method: clinical testing. Allele origin: unknown. Not counted in ClinVar's aggregate classification.

Literature cited by the submitters: PubMed 16199547 (cited by Labcorp Genetics (formerly Invitae), Labcorp); PubMed 19367192 (cited by Labcorp Genetics (formerly Invitae), Labcorp); PubMed 29098742 (cited by Labcorp Genetics (formerly Invitae), Labcorp).

NM_000135.4(FANCA):c.80-1G>T

Gene: FANCA (FA complementation group A; minus strand). Cytogenetic location: 16q24.3.
Variant type: single nucleotide variant.
Coding change: c.80-1G>T on transcript NM_000135.4 (MANE Select); the canonical splice acceptor site of the intron before coding-DNA position 80, G replaced by T.
Molecular consequence: splice acceptor variant.
Genome position (GRCh38, 1-based): chr16:89,815,987, C>A on the plus strand (G>T on the coding strand, the complement: FANCA is on the minus strand). VCF-style: chr16-89815987-C-A. GRCh37 (hg19) VCF-style: chr16-89882395-C-A.
Other names: c.80-1G>T (NM_001286167.3, NM_001351830.2, NM_001018112.3).
Identifiers: ClinVar variation 554058 (VCV000554058.4), dbSNP rs751076878, ClinGen allele CA397483824.